The following is an entry in ClinVar:

ClinVar aggregate classification (germline): Likely benign. Review status: criteria provided, multiple submitters, no conflicts (2 of 4 stars). 3 submissions from 3 submitters: Likely benign (3). Last evaluated 2026-02-26.

Conditions:
PLPBP-related disorder. Also called: PLPBP-related condition.

Allele frequency attached by ClinVar (database versions not stated): gnomAD exomes 0.00009; ExAC 0.00010; gnomAD 0.00013; 1000 Genomes Project 30x 0.00016; 1000 Genomes Project 0.00020; ESP Exome Variant Server 0.00023.
gnomAD v4.1: 149 of 1,613,816 alleles (0.0092%); highest among the groups gnomAD compares: Middle Eastern, 0.05%; no homozygotes.

Submissions (3):

PreventionGenetics, part of Exact Sciences
Classification: Likely benign for PLPBP-related condition. Last evaluated: 2026-02-26. Review status: criteria provided, single submitter. Criteria: ACMG Guidelines, 2015. Collection method: clinical testing. Allele origin: germline.
Comment: This variant is classified as likely benign based on ACMG/AMP sequence variant interpretation guidelines (Richards et al. 2015 PMID: 25741868, with internal and published modifications).

Labcorp Genetics (formerly Invitae), Labcorp
Classification: Likely benign. Last evaluated: 2025-12-16. Review status: criteria provided, single submitter. Criteria: Invitae Variant Classification Sherloc (09022015). Collection method: clinical testing. Allele origin: germline.

Blueprint Genetics
Classification: Likely benign. Last evaluated: 2024-10-07. Review status: criteria provided, single submitter. Criteria: ACMG Guidelines, 2015. Collection method: clinical testing. Allele origin: germline.

NM_007198.4(PLPBP):c.681G>A (p.Ala227=)

Gene: PLPBP (pyridoxal phosphate binding protein; plus strand). Cytogenetic location: 8p11.23.
Variant type: single nucleotide variant.
Coding change: c.681G>A on transcript NM_007198.4 (MANE Select); coding-DNA position 681, G replaced by A.
Protein change: p.Ala227=; no amino-acid change (alanine 227 retained).
Molecular consequence: synonymous variant.
Genome position (GRCh38, 1-based): chr8:37,776,001, G>A. VCF-style: chr8-37776001-G-A. GRCh37 (hg19) VCF-style: chr8-37633519-G-A.
Other names: c.711G>A, p.Ala237= (NM_001349346.2); c.675G>A, p.Ala225= (NM_001349347.2); c.525G>A, p.Ala175= (NM_001349348.2); c.681G>A (NM_007198.3).
Identifiers: ClinVar variation 2062809 (VCV002062809.6), dbSNP rs149411400, ClinGen allele CA4711312.